The following is an entry in ClinVar:

NM_178138.6(LHX3):c.956del (p.Pro319fs)

Gene: LHX3 (LIM homeobox 3; minus strand). Cytogenetic location: 9q34.3.
Variant type: Deletion.
Coding change: c.956del on transcript NM_178138.6 (MANE Select); coding-DNA position 956, one base deleted (C; older notation c.956delC).
Protein change: p.Pro319fs; shifts the reading frame from proline 319.
Molecular consequence: frameshift variant.
Genome position (GRCh38, 1-based): chr9:136,197,563, G deleted on the plus strand (C on the coding strand, the reverse complement: LHX3 is on the minus strand); the first of 6 consecutive G bases (chr9:136,197,563-136,197,568); deleting any one gives the same sequence. VCF-style (leftmost placement, unchanged base first): chr9-136197562-TG-T. GRCh37 (hg19) VCF-style: chr9-139089408-TG-T.
Other names: c.923del, p.Pro308fs (NM_001363746.1); c.971del, p.Pro324fs (NM_014564.5); c.971delC (NM_014564.4); short protein forms P308fs, P319fs, P324fs.
Identifiers: ClinVar variation 4069835 (VCV004069835.3).

ClinVar aggregate classification (germline): Conflicting classifications of pathogenicity. Review status: criteria provided, conflicting classifications (1 of 4 stars). 2 submissions from 2 submitters: Likely pathogenic (1); Uncertain significance (1). Last evaluated 2025-12-10.

Conditions:
LHX3-related disorder. Also called: LHX3-related condition.
Non-acquired combined pituitary hormone deficiency with spine abnormalities (CPHD3). Also called: Winkelman Bethge Pfeiffer syndrome; WBP syndrome; Combined pituitary hormone deficiency type 3. Identifiers: Orphanet 231720, MedGen C3489787, MONDO:0009091, OMIM 221750.

Submissions (2):

Natera, Inc.
Classification: Likely pathogenic for Combined pituitary hormone deficiency type 3. Last evaluated: 2025-12-10. Review status: criteria provided, single submitter. Criteria: Natera Variant Classification Schema (03/2026). Collection method: clinical testing. Allele origin: germline.
Comment: The c.971del variant in LHX3 is a frameshift variant predicted to shift the reading frame beginning at codon 324 and leads to a stop codon 40 codons downstream. This variant is expected to result in nonsense mediated decay, truncation, or a dysfunctional protein product. This variant is rare in the general population with a frequency below the threshold expected for the associated phenotype(s). Given the available evidence, this variant is classified as Likely Pathogenic.

PreventionGenetics, part of Exact Sciences
Classification: Uncertain significance for LHX3-related condition. Last evaluated: 2025-02-06. Review status: criteria provided, single submitter. Criteria: ACMG Guidelines, 2015. Collection method: clinical testing. Allele origin: germline.
Comment: The LHX3 c.971delC variant is predicted to result in a frameshift and premature protein termination (p.Pro324Hisfs*40). To our knowledge, this variant has not been reported in the literature or in a large population database (gnomAD), indicating this variant is rare. At this time, the clinical significance of this variant is uncertain due to the absence of conclusive functional and genetic evidence.